The following is an entry in ClinVar:

NM_006662.3(SRCAP):c.4714C>T (p.Leu1572Phe)

Gene: SRCAP (Snf2 related CREBBP activator protein; plus strand). Cytogenetic location: 16p11.2.
Variant type: single nucleotide variant.
Coding change: c.4714C>T on transcript NM_006662.3 (MANE Select); coding-DNA position 4714, C replaced by T.
Protein change: p.Leu1572Phe; replaces leucine 1572 with phenylalanine.
Molecular consequence: missense variant.
Genome position (GRCh38, 1-based): chr16:30,724,138, C>T. VCF-style: chr16-30724138-C-T. GRCh37 (hg19) VCF-style: chr16-30735459-C-T.
Other names: short protein forms L1572F.
Identifiers: ClinVar variation 4990583 (VCV004990583.1).

ClinVar aggregate classification (germline): Uncertain significance (1 of 4 stars; one submission).

Conditions:
SRCAP-related disorder. Also called: SRCAP-related condition.

gnomAD v4.1: 1 of 1,614,080 alleles (0.000062%); no homozygotes.

Submission:

PreventionGenetics, part of Exact Sciences
Classification: Uncertain significance for SRCAP-related condition. Last evaluated: 2026-06-09. Review status: criteria provided, single submitter. Criteria: ACMG Guidelines, 2015. Collection method: clinical testing. Allele origin: germline.
Comment: The SRCAP c.4714C>T variant is predicted to result in the amino acid substitution p.Leu1572Phe. To our knowledge, this variant has not been reported in the literature or in a large population database (gnomAD), indicating this variant is rare. At this time, the clinical significance of this variant is uncertain due to the absence of conclusive functional and genetic evidence.